The following is an entry in ClinVar:

NM_000059.4(BRCA2):c.5298T>A (p.Asn1766Lys)

Gene: BRCA2 (BRCA2 DNA repair associated; plus strand). Cytogenetic location: 13q13.1.
Variant type: single nucleotide variant.
Coding change: c.5298T>A on transcript NM_000059.4 (MANE Select); coding-DNA position 5298, T replaced by A.
Protein change: p.Asn1766Lys; replaces asparagine 1766 with lysine.
Molecular consequence: missense variant.
Genome position (GRCh38, 1-based): chr13:32,339,653, T>A. VCF-style: chr13-32339653-T-A. GRCh37 (hg19) VCF-style: chr13-32913790-T-A.
Other names: short protein forms N1766K.
Identifiers: ClinVar variation 267224 (VCV000267224.5), dbSNP rs276174856, ClinGen allele CA10590056.

ClinVar aggregate classification (germline): Likely benign. Review status: criteria provided, single submitter (1 of 4 stars). 2 submissions from 2 submitters: Likely benign (1). 1 of the submissions does not count toward it. Last evaluated 2023-03-23.

Conditions:
Hereditary cancer-predisposing syndrome. Also called: Hereditary Cancer Syndrome; Tumor predisposition; Neoplastic Syndromes, Hereditary; Hereditary neoplastic syndrome. Identifiers: Orphanet 140162, MedGen C0027672, MeSH D009386, MONDO:0015356.
Malignant tumor of breast. Also called: Cancer breast; Malignant breast neoplasm. Identifiers: MedGen C0006142, MONDO:0007254. Disease mechanism: loss of function.

Submissions (2):

University of Washington Department of Laboratory Medicine, University of Washington
Classification: Likely benign for Hereditary cancer-predisposing syndrome. Last evaluated: 2023-03-23. Review status: criteria provided, single submitter. Criteria: Dines et al. (Genet Med. 2020). Collection method: curation. Allele origin: germline.
Comment: Missense variant in a coldspot region where missense variants are very unlikely to be pathogenic (PMID:31911673).

BRCA2 exon 11 coldspot. Reclassification based on statistical prior probability.

Department of Pathology and Laboratory Medicine, Sinai Health System
Classification: Uncertain significance for Malignant tumor of breast. Review status: no assertion criteria provided. Collection method: clinical testing. Allele origin: unknown. Affected: yes. Study: The Canadian Open Genetics Repository (COGR). Not counted in ClinVar's aggregate classification.
Comment: The BRCA2 p.Asn1766Lys variant was not identified in the literature nor was it identified in the dbSNP, NHLBI Exome Sequencing Project (Exome Variant Server), Exome Aggregation Consortium (ExAC) database, HGMD, LOVD, COSMIC, the ClinVar, GeneInsight VariantWire database, the BIC database and UMD. The p.Asn1766 residue is not conserved in mammals and computational analyses (PolyPhen-2, SIFT, AlignGVGD, BLOSUM, MutationTaster) do not suggest a high likelihood of impact to the protein. However, this information is not predictive enough to rule out pathogenicity. The variant occurs outside of the splicing consensus sequence and in silico or computational prediction software programs (SpliceSiteFinder, MaxEntScan, NNSPLICE, GeneSplicer, HumanSpliceFinder) do not predict a difference in splicing. In summary, based on the above information, the clinical significance of this variant cannot be determined with certainty at this time. This variant is classified as a variant of unknown significance.